The following is an entry in ClinVar:

NM_014014.5(SNRNP200):c.4420A>G (p.Met1474Val)

Gene: SNRNP200 (small nuclear ribonucleoprotein U5 subunit 200; minus strand). Cytogenetic location: 2q11.2.
Variant type: single nucleotide variant.
Coding change: c.4420A>G on transcript NM_014014.5 (MANE Select); coding-DNA position 4420, A replaced by G.
Protein change: p.Met1474Val; replaces methionine 1474 with valine.
Molecular consequence: missense variant.
Genome position (GRCh38, 1-based): chr2:96,283,977, T>C on the plus strand (A>G on the coding strand, the complement: SNRNP200 is on the minus strand). VCF-style: chr2-96283977-T-C. GRCh37 (hg19) VCF-style: chr2-96949715-T-C.
Other names: c.4420A>G (NM_014014.4); short protein forms M1474V.
Identifiers: ClinVar variation 1047516 (VCV001047516.11), dbSNP rs929059645, ClinGen allele CA52391653.

ClinVar aggregate classification (germline): Uncertain significance. Review status: criteria provided, multiple submitters, no conflicts (2 of 4 stars). 3 submissions from 3 submitters: Uncertain significance (3). Last evaluated 2023-01-23.

Conditions:
Inborn genetic diseases. Identifiers: MedGen C0950123, MeSH D030342.

Allele frequency attached by ClinVar (database versions not stated): gnomAD exomes below 0.00001 and 0.00001.

Submissions (3):

Ambry Genetics
Classification: Uncertain significance for Inborn genetic diseases. Last evaluated: 2023-01-23. Review status: criteria provided, single submitter. Criteria: Ambry Variant Classification Scheme 2023. Collection method: clinical testing. Allele origin: germline.

Labcorp Genetics (formerly Invitae), Labcorp
Classification: Uncertain significance. Last evaluated: 2020-03-24. Review status: criteria provided, single submitter. Criteria: Invitae Variant Classification Sherloc (09022015). Collection method: clinical testing. Allele origin: germline.
Comment: Algorithms developed to predict the effect of sequence changes on RNA splicing suggest that this variant may create or strengthen a splice site, but this prediction has not been confirmed by published transcriptional studies. In summary, the available evidence is currently insufficient to determine the role of this variant in disease. Therefore, it has been classified as a Variant of Uncertain Significance. Algorithms developed to predict the effect of missense changes on protein structure and function are either unavailable or do not agree on the potential impact of this missense change (SIFT: "Tolerated"; PolyPhen-2: "Possibly Damaging"; Align-GVGD: "Class C0"). This variant has not been reported in the literature in individuals with SNRNP200-related conditions. This variant is not present in population databases (ExAC no frequency). This sequence change replaces methionine with valine at codon 1474 of the SNRNP200 protein (p.Met1474Val). The methionine residue is highly conserved and there is a small physicochemical difference between methionine and valine.

Blueprint Genetics
Classification: Uncertain significance. Last evaluated: 2019-10-22. Review status: criteria provided, single submitter. Criteria: ACMG Guidelines, 2015. Collection method: clinical testing. Allele origin: germline.